The following is an entry in ClinVar:

NM_006015.6(ARID1A):c.2387A>G (p.Tyr796Cys)

Gene: ARID1A (AT-rich interaction domain 1A; plus strand). Cytogenetic location: 1p36.11.
Variant type: single nucleotide variant.
Coding change: c.2387A>G on transcript NM_006015.6 (MANE Select); coding-DNA position 2387, A replaced by G.
Protein change: p.Tyr796Cys; replaces tyrosine 796 with cysteine.
Molecular consequence: missense variant.
Genome position (GRCh38, 1-based): chr1:26,762,287, A>G. VCF-style: chr1-26762287-A-G. GRCh37 (hg19) VCF-style: chr1-27088778-A-G.
Other names: c.2387A>G, p.Tyr796Cys (NM_139135.4); short protein forms Y796C.
Identifiers: ClinVar variation 4779451 (VCV004779451.1).

ClinVar aggregate classification (germline): Uncertain significance (1 of 4 stars; one submission).

gnomAD v4.1: 8 of 1,614,160 alleles (0.0005%); highest among the groups gnomAD compares: Admixed American, 0.0033%; no homozygotes.

Submission:

Labcorp Genetics (formerly Invitae), Labcorp
Classification: Uncertain significance. Last evaluated: 2025-10-18. Review status: criteria provided, single submitter. Criteria: Invitae Variant Classification Sherloc (09022015). Collection method: clinical testing. Allele origin: germline.
Comment: This sequence change replaces tyrosine, which is neutral and polar, with cysteine, which is neutral and slightly polar, at codon 796 of the ARID1A protein (p.Tyr796Cys). This variant is present in population databases (rs772620836, gnomAD 0.006%). This variant has not been reported in the literature in individuals affected with ARID1A-related conditions. Invitae Evidence Modeling of protein sequence and biophysical properties (such as structural, functional, and spatial information, amino acid conservation, physicochemical variation, residue mobility, and thermodynamic stability) indicates that this missense variant is not expected to disrupt ARID1A protein function with a negative predictive value of 80%. In summary, the available evidence is currently insufficient to determine the role of this variant in disease. Therefore, it has been classified as a Variant of Uncertain Significance.